The following is an entry in ClinVar:

NM_003816.3(ADAM9):c.2014A>C (p.Asn672His)

Gene: ADAM9 (ADAM metallopeptidase domain 9; plus strand). Cytogenetic location: 8p11.22.
Variant type: single nucleotide variant.
Coding change: c.2014A>C on transcript NM_003816.3 (MANE Select); coding-DNA position 2014, A replaced by C.
Protein change: p.Asn672His; replaces asparagine 672 with histidine.
Molecular consequence: missense variant. On other transcripts: non-coding transcript variant (1).
Genome position (GRCh38, 1-based): chr8:39,083,019, A>C. VCF-style: chr8-39083019-A-C. GRCh37 (hg19) VCF-style: chr8-38940538-A-C.
Other names: short protein forms N672H.
Identifiers: ClinVar variation 1956989 (VCV001956989.5), dbSNP rs757409679, ClinGen allele CA4721778.

ClinVar aggregate classification (germline): Uncertain significance (1 of 4 stars; one submission).

gnomAD v4.1: 21 of 1,613,986 alleles (0.0013%); highest among the groups gnomAD compares: Non-Finnish European, 0.0017%; no homozygotes.

Submission:

Labcorp Genetics (formerly Invitae), Labcorp
Classification: Uncertain significance. Last evaluated: 2023-11-27. Review status: criteria provided, single submitter. Criteria: Invitae Variant Classification Sherloc (09022015). Collection method: clinical testing. Allele origin: germline.
Comment: This sequence change replaces asparagine, which is neutral and polar, with histidine, which is basic and polar, at codon 672 of the ADAM9 protein (p.Asn672His). This variant is present in population databases (rs757409679, gnomAD 0.008%). This variant has not been reported in the literature in individuals affected with ADAM9-related conditions. ClinVar contains an entry for this variant (Variation ID: 1956989). Advanced modeling of protein sequence and biophysical properties (such as structural, functional, and spatial information, amino acid conservation, physicochemical variation, residue mobility, and thermodynamic stability) performed at Invitae indicates that this missense variant is not expected to disrupt ADAM9 protein function with a negative predictive value of 80%. In summary, the available evidence is currently insufficient to determine the role of this variant in disease. Therefore, it has been classified as a Variant of Uncertain Significance.